The following is an entry in ClinVar:

NM_016034.5(MRPS2):c.420C>T (p.Gly140=)

Genes: MRPS2 (mitochondrial ribosomal protein S2; plus strand), LOC101928525 (uncharacterized LOC101928525; minus strand). Cytogenetic location: 9q34.3.
Variant type: single nucleotide variant.
Coding change: c.420C>T on transcript NM_016034.5 (MANE Select); coding-DNA position 420, C replaced by T.
Protein change: p.Gly140=; no amino-acid change (glycine 140 retained).
Molecular consequence: synonymous variant. On other transcripts: non-coding transcript variant (5).
Genome position (GRCh38, 1-based): chr9:135,503,662, C>T. VCF-style: chr9-135503662-C-T. GRCh37 (hg19) VCF-style: chr9-138395508-C-T.
Other names: c.420C>T, p.Gly140= (NM_001371401.1); c.420C>T (NM_016034.4).
Identifiers: ClinVar variation 2046941 (VCV002046941.5), dbSNP rs147519808, ClinGen allele CA5323937.
Genomic context (GRCh38, chr9:135,503,662, plus strand): 5'-GACAGCCACGCACCTCCAGCTGGCCTTGAACTTCACCGCCCACATGGCCTACCGCAAGGG[C>T]ATCATCTTGTTTATAAGCCGCAACCGGCAGTTCTCGTACCTGATTGAGAACATGGCCCGT-3'
Protein context (NP_057118.1, residues 130-150): NFTAHMAYRK[Gly140=]IILFISRNRQ

ClinVar aggregate classification (germline): Likely benign. Review status: criteria provided, multiple submitters, no conflicts (2 of 4 stars). 2 submissions from 2 submitters: Likely benign (2). Last evaluated 2026-07-07.

Conditions:
MRPS2-related disorder. Also called: MRPS2-related condition.

Allele frequency attached by ClinVar (database versions not stated): 1000 Genomes Project 30x 0.00016; TOPMed 0.00029; ExAC 0.00036; ESP Exome Variant Server 0.00046; 1000 Genomes Project 0.00020; gnomAD 0.00023.
gnomAD v4.1: 525 of 1,613,856 alleles (0.033%); highest among the groups gnomAD compares: Non-Finnish European, 0.038%; no homozygotes.

Submissions (2):

PreventionGenetics, part of Exact Sciences
Classification: Likely benign for MRPS2-related condition. Last evaluated: 2026-07-07. Review status: criteria provided, single submitter. Criteria: ACMG Guidelines, 2015. Collection method: clinical testing. Allele origin: germline.
Comment: This variant is classified as likely benign based on ACMG/AMP sequence variant interpretation guidelines (Richards et al. 2015 PMID: 25741868, with internal and published modifications).

Labcorp Genetics (formerly Invitae), Labcorp
Classification: Likely benign. Last evaluated: 2025-09-11. Review status: criteria provided, single submitter. Criteria: Invitae Variant Classification Sherloc (09022015). Collection method: clinical testing. Allele origin: germline.